The following is an entry in ClinVar:

ClinVar aggregate classification (germline): Conflicting classifications of pathogenicity. Review status: criteria provided, conflicting classifications (1 of 4 stars). 6 submissions from 6 submitters: Pathogenic (2); Likely pathogenic (3); Uncertain significance (1). Last evaluated 2025-10-15.

Conditions:
Familial hypokalemia-hypomagnesemia (GTLMNS). Also called: gitelman syndrome; HYPOMAGNESEMIA-HYPOKALEMIA, PRIMARY RENOTUBULAR, WITH HYPOCALCIURIA; POTASSIUM AND MAGNESIUM DEPLETION. Identifiers: Orphanet 358, MedGen C0268450, MONDO:0009904, OMIM 263800.

gnomAD v4.1: 9 of 1,614,076 alleles (0.00056%); highest among the groups gnomAD compares: South Asian, 0.0011%; no homozygotes.

Submissions (6):

Labcorp Genetics (formerly Invitae), Labcorp
Classification: Pathogenic. Last evaluated: 2025-10-15. Review status: criteria provided, single submitter. Criteria: Invitae Variant Classification Sherloc (09022015). Collection method: clinical testing. Allele origin: germline.
Comment: This sequence change replaces aspartic acid, which is acidic and polar, with asparagine, which is neutral and polar, at codon 62 of the SLC12A3 protein (p.Asp62Asn). This variant is not present in population databases (gnomAD no frequency). This missense change has been observed in individuals with Gitelman syndrome (PMID: 8900229, 22934535; internal data). It has also been observed to segregate with disease in related individuals. ClinVar contains an entry for this variant (Variation ID: 844075). Invitae Evidence Modeling of protein sequence and biophysical properties (such as structural, functional, and spatial information, amino acid conservation, physicochemical variation, residue mobility, and thermodynamic stability) indicates that this missense variant is expected to disrupt SLC12A3 protein function with a positive predictive value of 95%. For these reasons, this variant has been classified as Pathogenic.

Natera, Inc.
Classification: Pathogenic for Gitelman syndrome. Last evaluated: 2025-01-21. Review status: criteria provided, single submitter. Criteria: Natera Variant Classification Schema (03/2026). Collection method: clinical testing. Allele origin: germline.
Comment: The c.184G>A variant in SLC12A3 is a missense variant predicted to cause substitution of aspartic acid to asparagine at amino acid 62. This variant is rare in the general population with a frequency below the threshold expected for the associated phenotype(s). This variant has been observed in one or more individuals affected with the associated recessive disease, as either homozygous or compound heterozygous with a second variant (PMID: 8900229, 17699451, 21415153, 24830959, 22934535). A different variant at the same position has been determined to be Pathogenic or Likely Pathogenic. Computational prediction algorithms indicate this variant is likely to affect gene or protein function. Given the available evidence, this variant is classified as Pathogenic.

Department of Pathology and Laboratory Medicine, Sinai Health System
Classification: Likely pathogenic for Familial hypokalemia-hypomagnesemia. Last evaluated: 2023-02-06. Review status: criteria provided, single submitter. Criteria: ACMG Guidelines, 2015. Collection method: research. Allele origin: germline.

Genome-Nilou Lab
Classification: Likely pathogenic for Familial hypokalemia-hypomagnesemia. Last evaluated: 2021-07-15. Review status: criteria provided, single submitter. Criteria: ACMG Guidelines, 2015. Collection method: clinical testing. Allele origin: germline. Affected: no.

GeneDx
Classification: Uncertain significance. Last evaluated: 2021-02-11. Review status: criteria provided, single submitter. Criteria: GeneDx Variant Classification Process June 2021. Collection method: clinical testing. Allele origin: germline. Affected: yes.
Comment: Observed with a second SLC12A3 variant in unrelated patients with salt-losing tubulopathies in published literature, but it is not known whether the variants occurred on the same (in cis) or on different (in trans) chromosomes (Zhang et al., 2013); Not observed in large population cohorts (Lek et al., 2016); In silico analysis supports that this missense variant has a deleterious effect on protein structure/function; This variant is associated with the following publications: (PMID: 22334612, 22934535, 8900229)

Clinical Genetics Service, Universitary Hospital 12 de Octubre
Classification: Likely pathogenic for Familial hypokalemia-hypomagnesemia. Review status: criteria provided, single submitter. Criteria: ACMG Guidelines, 2015. Collection method: clinical testing. Allele origin: germline. Affected: yes.

Literature cited by the submitters: PubMed 8900229 (cited by Labcorp Genetics (formerly Invitae), Labcorp and Natera, Inc.); PubMed 22934535 (cited by Labcorp Genetics (formerly Invitae), Labcorp and Natera, Inc.); PubMed 17699451 (cited by Natera, Inc.); PubMed 21415153 (cited by Natera, Inc.); PubMed 24830959 (cited by Natera, Inc.).

NM_001126108.2(SLC12A3):c.184G>A (p.Asp62Asn)

Gene: SLC12A3 (solute carrier family 12 member 3; plus strand). Cytogenetic location: 16q13.
Variant type: single nucleotide variant.
Coding change: c.184G>A on transcript NM_001126108.2 (MANE Select); coding-DNA position 184, G replaced by A.
Protein change: p.Asp62Asn; replaces aspartic acid 62 with asparagine.
Molecular consequence: missense variant.
Genome position (GRCh38, 1-based): chr16:56,865,419, G>A. VCF-style: chr16-56865419-G-A. GRCh37 (hg19) VCF-style: chr16-56899331-G-A.
Other names: c.184G>A, p.Asp62Asn (NM_000339.3, NM_001126107.2); short protein forms D62N.
Identifiers: ClinVar variation 844075 (VCV000844075.19), dbSNP rs757490496, ClinGen allele CA395977137.